The following is an entry in ClinVar:

NM_012210.4(TRIM32):c.1555G>T (p.Val519Phe)

Genes: ASTN2 (astrotactin 2; minus strand), TRIM32 (tripartite motif containing 32; plus strand). Cytogenetic location: 9q33.1.
Variant type: single nucleotide variant.
Coding change: c.1555G>T on transcript NM_012210.4 (MANE Select); coding-DNA position 1555, G replaced by T.
Protein change: p.Val519Phe; replaces valine 519 with phenylalanine.
Molecular consequence: missense variant. On other transcripts: intron variant (3).
Genome position (GRCh38, 1-based): chr9:116,699,297, G>T. VCF-style: chr9-116699297-G-T. GRCh37 (hg19) VCF-style: chr9-119461576-G-T.
Other names: c.1555G>T, p.Val519Phe (NM_001099679.2, NM_001379048.1, NM_001379049.1 and 1 more transcripts); c.2653+26474C>A (NM_014010.5); c.2794+26474C>A (NM_001365069.1); c.2806+26474C>A (NM_001365068.1); short protein forms V519F.
Identifiers: ClinVar variation 3344714 (VCV003344714.1).

ClinVar aggregate classification (germline): Uncertain significance (0 of 4 stars; one submission).

Conditions:
TRIM32-related disorder. Also called: TRIM32-related condition.

gnomAD v4.1: 1 of 1,614,198 alleles (0.000062%); highest among the groups gnomAD compares: Non-Finnish European, 0.000085%; no homozygotes.

Submission:

PreventionGenetics, part of Exact Sciences
Classification: Uncertain significance for TRIM32-related condition. Last evaluated: 2024-07-15. Review status: no assertion criteria provided. Collection method: clinical testing. Allele origin: germline.
Comment: The TRIM32 c.1555G>T variant is predicted to result in the amino acid substitution p.Val519Phe. To our knowledge, this variant has not been reported in the literature or in a large population database, indicating this variant is rare. At this time, the clinical significance of this variant is uncertain due to the absence of conclusive functional and genetic evidence.